The following is an entry in ClinVar:

ClinVar aggregate classification (germline): Uncertain significance (1 of 4 stars; one submission).

Conditions:
Glycogen storage disease due to muscle beta-enolase deficiency (GSD13). Also called: ENOLASE 3 DEFICIENCY; ENOLASE-BETA DEFICIENCY; GSD XIII; Glycogen Storage Disease Type XIII. Identifiers: Orphanet 99849, MedGen C2752027, MONDO:0013046, OMIM 612932.

Allele frequency attached by ClinVar (database versions not stated): gnomAD 0.00007 and 0.00008; ESP Exome Variant Server 0.00008; TOPMed 0.00009; ExAC 0.00014; gnomAD exomes 0.00015 and 0.00023.

Submission:

Labcorp Genetics (formerly Invitae), Labcorp
Classification: Uncertain significance for Glycogen storage disease due to muscle beta-enolase deficiency. Last evaluated: 2022-09-01. Review status: criteria provided, single submitter. Criteria: Invitae Variant Classification Sherloc (09022015). Collection method: clinical testing. Allele origin: germline.
Comment: This sequence change creates a premature translational stop signal (p.Trp365Leufs*13) in the ENO3 gene. It is expected to result in an absent or disrupted protein product. However, the current clinical and genetic evidence is not sufficient to establish whether loss-of-function variants in ENO3 cause disease. This variant is present in population databases (rs771868807, gnomAD 0.02%). This premature translational stop signal has been observed in individual(s) with a neurodevelopmental disorder (PMID: 33004838). This variant is also known as c.1120dup. ClinVar contains an entry for this variant (Variation ID: 1056492). Algorithms developed to predict the effect of sequence changes on RNA splicing suggest that this variant may disrupt the consensus splice site. In summary, the available evidence is currently insufficient to determine the role of this variant in disease. Therefore, it has been classified as a Variant of Uncertain Significance.

Literature cited by the submitters: PubMed 33004838.

NM_053013.4(ENO3):c.1093dup (p.Trp365fs)

Gene: ENO3 (enolase 3; plus strand). Cytogenetic location: 17p13.2.
Variant type: Duplication.
Coding change: c.1093dup on transcript NM_053013.4 (MANE Select); coding-DNA position 1093, one base duplicated (T; older notation c.1093dupT).
Protein change: p.Trp365fs; shifts the reading frame from tryptophan 365.
Molecular consequence: frameshift variant.
Genome position (GRCh38, 1-based): chr17:4,956,598, T duplicated. VCF-style (leftmost placement, unchanged base first): chr17-4956597-C-CT. GRCh37 (hg19) VCF-style: chr17-4859892-C-CT.
Other names: c.964dup, p.Trp322fs (NM_001193503.2); c.1093dup, p.Trp365fs (NM_001374523.1, NM_001976.5); c.1120dup, p.Trp374fs (NM_001374524.1); short protein forms W322fs, W365fs, W374fs.
Identifiers: ClinVar variation 1056492 (VCV001056492.4), dbSNP rs771868807, ClinGen allele CA8316547.